The following is an entry in ClinVar:

ClinVar aggregate classification (germline): Uncertain significance (1 of 4 stars; one submission).

Submission:

GeneDx
Classification: Uncertain significance. Last evaluated: 2026-07-11. Review status: criteria provided, single submitter. Criteria: GeneDx Variant Classification Process June 2021. Collection method: clinical testing. Allele origin: germline.
Comment: Not observed at significant frequency in large population cohorts (gnomAD); In silico analysis suggests that this missense variant does not alter protein structure/function; Has not been previously published as pathogenic or benign to our knowledge

NM_001100913.3(PACS2):c.412A>G (p.Ser138Gly)

Gene: PACS2 (phosphofurin acidic cluster sorting protein 2; plus strand). Cytogenetic location: 14q32.33.
Variant type: single nucleotide variant.
Coding change: c.412A>G on transcript NM_001100913.3 (MANE Select); coding-DNA position 412, A replaced by G.
Protein change: p.Ser138Gly; replaces serine 138 with glycine.
Molecular consequence: missense variant.
Genome position (GRCh38, 1-based): chr14:105,355,166, A>G. VCF-style: chr14-105355166-A-G. GRCh37 (hg19) VCF-style: chr14-105821503-A-G.
Other names: c.211A>G, p.Ser71Gly (NM_001243127.3); c.412A>G, p.Ser138Gly (NM_015197.4); short protein forms S138G, S71G.
Identifiers: ClinVar variation 3376093 (VCV003376093.2).